The following continues an entry in ClinVar:

NM_000059.4(BRCA2):c.266C>T (p.Pro89Leu)

Gene: BRCA2. ClinVar aggregate classification (germline): Uncertain significance. Uncertain significance (11).

Submissions 8 to 13 of 13:

GeneDx
Classification: Uncertain significance. Last evaluated: 2023-03-23. Review status: criteria provided, single submitter. Criteria: GeneDx Variant Classification Process June 2021. Collection method: clinical testing. Allele origin: germline. Affected: yes.
Comment: Not observed at significant frequency in large population cohorts (gnomAD); In silico analysis supports that this missense variant does not alter protein structure/function; Also known as 494C>T; Observed in individuals with a personal and/or family history of breast, ovarian, or pancreatic cancer; however, has also been reported in healthy controls, as well as in an affected individual harboring a pathogenic variant in BRCA1 (Muller et al., 2011; Abulkhair et al., 2018; Mathias et al., 2019; Abu-Helalah et al., 2020; You et al., 2020; Dong et al., 2021; Dorling et al., 2021); This variant is associated with the following publications: (PMID: 32377563, 29884841, 31432501, 30199306, 30287823, 33067490, 32467295, 33471991, 34218100, 21939546, 32211327)

Color Diagnostics, LLC DBA Color Health
Classification: Uncertain significance for Hereditary cancer-predisposing syndrome. Last evaluated: 2022-09-26. Review status: criteria provided, single submitter. Criteria: ACMG Guidelines, 2015. Collection method: clinical testing. Allele origin: germline.
Comment: This missense variant replaces proline with leucine at codon 89 of the BRCA2 protein. Computational prediction suggests that this variant may not impact protein structure and function (internally defined REVEL score threshold <= 0.5, PMID: 27666373). To our knowledge, functional studies have not been reported for this variant. This variant has been reported in at least three individuals affected with breast cancer and a family affected with breast and/or ovarian cancer (PMID: 21939546, 30199306, 34218100). This variant also has been detected in a breast cancer case-control meta-analysis in 2/60466 cases and 2/53461 unaffected individuals (PMID: 33471991; Leiden Open Variation Database DB-ID BRCA2_001292) and another breast cancer case-control study in 1/11241 unaffected individuals and absent in 7051 cases (PMID: 30287823). This variant has been reported in one individual each affected with pancreatic and prostate cancer (PMID: 31214711, 31432501). This variant has been identified in 4/251308 chromosomes in the general population by the Genome Aggregation Database (gnomAD). The available evidence is insufficient to determine the role of this variant in disease conclusively. Therefore, this variant is classified as a Variant of Uncertain Significance.

PreventionGenetics, part of Exact Sciences
Classification: Uncertain significance for BRCA2-related condition. Last evaluated: 2022-09-23. Review status: criteria provided, single submitter. Criteria: ACMG Guidelines, 2015. Collection method: clinical testing. Allele origin: germline.
Comment: The BRCA2 c.266C>T variant is predicted to result in the amino acid substitution p.Pro89Leu. This variant has been reported in individuals with breast, ovarian, and/or pancreatic cancer (Table 6, Abulkhair et al. 2018. PubMed ID: 30199306; Table 2, Schwartz et al. 2019. PubMed ID: 31432501; Table S1, You et al. 2020. PubMed ID: 32211327; Table S1, Abu-Helalah et al. 2020. PubMed ID: 33067490). The vast majority of these studies interpreted this variant as uncertain significance. It has also been reported in healthy control individuals (Supplementary Data, Momozawa et al. 2018. PubMed ID: 30287823; Table S1, Dong et al. 2020. PubMed ID: 32467295). This variant is reported in 4 of ~251,000 of alleles in gnomAD and is interpreted as uncertain significance in ClinVar. At this time, the clinical significance of this variant is uncertain due to the absence of conclusive functional and genetic evidence.

CHEO Genetics Diagnostic Laboratory, Children's Hospital of Eastern Ontario
Classification: Uncertain significance for Breast and/or ovarian cancer. Last evaluated: 2019-12-23. Review status: criteria provided, single submitter. Criteria: ACMG Guidelines, 2015. Collection method: clinical testing. Allele origin: germline.

Clinical Genetics Laboratory, Department of Pathology, Netherlands Cancer Institute
Classification: Uncertain significance. Review status: no assertion criteria provided. Collection method: clinical testing. Allele origin: germline. Affected: yes. Study: VKGL Data-share Consensus. Not counted in ClinVar's aggregate classification.

Laboratory of Diagnostic Genome Analysis, Leiden University Medical Center (LUMC)
Classification: Uncertain significance. Review status: no assertion criteria provided. Collection method: clinical testing. Allele origin: germline. Affected: yes. Study: VKGL Data-share Consensus. Not counted in ClinVar's aggregate classification.

Literature cited by the submitters: PubMed 21939546 (cited by 5 submitters); PubMed 34218100 (cited by 3 submitters); PubMed 33471991 (cited by 4 submitters); PubMed 32467295 (cited by Quest Diagnostics Nichols Institute San Juan Capistrano and Women's Health and Genetics/Laboratory Corporation of America, LabCorp); PubMed 33067490 (cited by 3 submitters); PubMed 32641407 (cited by Quest Diagnostics Nichols Institute San Juan Capistrano and Women's Health and Genetics/Laboratory Corporation of America, LabCorp); PubMed 31432501 (cited by 5 submitters); PubMed 30287823 (cited by 4 submitters); PubMed 30199306 (cited by 5 submitters); PubMed 36243179 (cited by Quest Diagnostics Nichols Institute San Juan Capistrano); PubMed 38298632 (cited by Quest Diagnostics Nichols Institute San Juan Capistrano and Women's Health and Genetics/Laboratory Corporation of America, LabCorp); PubMed 37982886 (cited by Quest Diagnostics Nichols Institute San Juan Capistrano); PubMed 32211327 (cited by Labcorp Genetics (formerly Invitae), Labcorp and Ambry Genetics); PubMed 32885271 (cited by Ambry Genetics); PubMed 31214711 (cited by Color Diagnostics, LLC DBA Color Health).